The following is an entry in ClinVar:

ClinVar aggregate classification (germline): Likely pathogenic. Review status: criteria provided, multiple submitters, no conflicts (2 of 4 stars). 3 submissions from 3 submitters: Likely pathogenic (3). Last evaluated 2025-05-17.

Conditions:
RPE65-related disorder. Also called: RPE65-related condition; RPE65-related disorders. Identifiers: MedGen CN239301.
Leber congenital amaurosis 2 (LCA2). Also called: Autosomal Recessive RPE65-Related Retinal Degeneration; AMAUROSIS CONGENITA OF LEBER II. Identifiers: Orphanet 65, MedGen C1859844, MONDO:0008765, OMIM 204100. Disease mechanism: loss of function.
Retinitis pigmentosa 20 (RP20). Identifiers: Orphanet 791, MedGen C3151086, MONDO:0013425, OMIM 613794.

Submissions (3):

Labcorp Genetics (formerly Invitae), Labcorp
Classification: Likely pathogenic for Leber congenital amaurosis 2; Retinitis pigmentosa 20. Last evaluated: 2025-05-17. Review status: criteria provided, single submitter. Criteria: Invitae Variant Classification Sherloc (09022015). Collection method: clinical testing. Allele origin: germline.
Comment: This sequence change affects a donor splice site in intron 6 of the RPE65 gene. It is expected to disrupt RNA splicing. Variants that disrupt the donor or acceptor splice site typically lead to a loss of protein function (PMID: 16199547), and loss-of-function variants in RPE65 are known to be pathogenic (PMID: 9326941, 9501220, 9843205, 18632300). This variant is not present in population databases (gnomAD no frequency). This variant has not been reported in the literature in individuals affected with RPE65-related conditions. ClinVar contains an entry for this variant (Variation ID: 940479). Algorithms developed to predict the effect of sequence changes on RNA splicing suggest that this variant may disrupt the consensus splice site. In summary, the currently available evidence indicates that the variant is pathogenic, but additional data are needed to prove that conclusively. Therefore, this variant has been classified as Likely Pathogenic.

Baylor Genetics
Classification: Likely pathogenic for Leber congenital amaurosis 2. Last evaluated: 2022-08-19. Review status: criteria provided, single submitter. Criteria: ACMG Guidelines, 2015. Collection method: clinical testing. Allele origin: unknown.

Blueprint Genetics
Classification: Likely pathogenic for RPE65-related disorders. Last evaluated: 2022-01-28. Review status: criteria provided, single submitter. Criteria: ACMG Guidelines, 2015. Collection method: clinical testing. Allele origin: germline. Affected: yes. Observed: 1 variant allele.

Literature cited by the submitters: PubMed 16199547 (cited by Labcorp Genetics (formerly Invitae), Labcorp); PubMed 9326941 (cited by Labcorp Genetics (formerly Invitae), Labcorp); PubMed 9501220 (cited by Labcorp Genetics (formerly Invitae), Labcorp); PubMed 9843205 (cited by Labcorp Genetics (formerly Invitae), Labcorp); PubMed 18632300 (cited by Labcorp Genetics (formerly Invitae), Labcorp).

NM_000329.3(RPE65):c.643+2T>A

Gene: RPE65 (retinoid isomerohydrolase RPE65; minus strand). Cytogenetic location: 1p31.3.
Variant type: single nucleotide variant.
Coding change: c.643+2T>A on transcript NM_000329.3 (MANE Select); the canonical splice donor site of the intron after coding-DNA position 643, T replaced by A.
Molecular consequence: splice donor variant.
Genome position (GRCh38, 1-based): chr1:68,440,851, A>T on the plus strand (T>A on the coding strand, the complement: RPE65 is on the minus strand). VCF-style: chr1-68440851-A-T. GRCh37 (hg19) VCF-style: chr1-68906534-A-T.
Other names: c.367+2T>A (NM_001406857.1, NM_001406856.1); c.535+2T>A (NM_001406853.1); c.643+2T>A (NM_001406859.1).
Identifiers: ClinVar variation 940479 (VCV000940479.10), dbSNP rs1645896934, ClinGen allele CA340746737.